The following is an entry in ClinVar:

ClinVar aggregate classification (germline): Uncertain significance. Review status: criteria provided, multiple submitters, no conflicts (2 of 4 stars). 2 submissions from 2 submitters: Uncertain significance (2). Last evaluated 2026-06-26.

Conditions:
Cardiovascular phenotype. Identifiers: MedGen CN230736.

Allele frequency attached by ClinVar (database versions not stated): ExAC 0.00002; TOPMed 0.00006; gnomAD exomes 0.00001; gnomAD 0.00006.
gnomAD v4.1: 18 of 1,614,050 alleles (0.0011%); highest among the groups gnomAD compares: African/African-American, 0.017%; no homozygotes.

Submissions (2):

Women's Health and Genetics/Laboratory Corporation of America, LabCorp
Classification: Uncertain significance. Last evaluated: 2026-06-26. Review status: criteria provided, single submitter. Criteria: LabCorp Variant Classification Summary - May 2015. Collection method: clinical testing. Allele origin: germline.

Ambry Genetics
Classification: Uncertain significance for Cardiovascular phenotype. Last evaluated: 2021-08-02. Review status: criteria provided, single submitter. Criteria: Ambry Variant Classification Scheme 2023. Collection method: clinical testing. Allele origin: germline.
Comment: The p.I132V variant (also known as c.394A>G), located in coding exon 4 of the LDLRAP1 gene, results from an A to G substitution at nucleotide position 394. The isoleucine at codon 132 is replaced by valine, an amino acid with highly similar properties. This amino acid position is conserved. In addition, this alteration is predicted to be tolerated by in silico analysis. Since supporting evidence is limited at this time, the clinical significance of this alteration remains unclear.

NM_015627.3(LDLRAP1):c.394A>G (p.Ile132Val)

Gene: LDLRAP1 (low density lipoprotein receptor adaptor protein 1; plus strand). Cytogenetic location: 1p36.11.
Variant type: single nucleotide variant.
Coding change: c.394A>G on transcript NM_015627.3 (MANE Select); coding-DNA position 394, A replaced by G.
Protein change: p.Ile132Val; replaces isoleucine 132 with valine.
Molecular consequence: missense variant.
Genome position (GRCh38, 1-based): chr1:25,557,202, A>G. VCF-style: chr1-25557202-A-G. GRCh37 (hg19) VCF-style: chr1-25883693-A-G.
Other names: short protein forms I132V.
Identifiers: ClinVar variation 1736405 (VCV001736405.3), dbSNP rs750080972, ClinGen allele CA695535.